The following is an entry in ClinVar:

ClinVar aggregate classification (germline): Uncertain significance (1 of 4 stars; one submission).

Submission:

Labcorp Genetics (formerly Invitae), Labcorp
Classification: Uncertain significance. Last evaluated: 2023-04-09. Review status: criteria provided, single submitter. Criteria: Invitae Variant Classification Sherloc (09022015). Collection method: clinical testing. Allele origin: unknown.
Comment: In summary, the available evidence is currently insufficient to determine the role of this variant in disease. Therefore, it has been classified as a Variant of Uncertain Significance. This variant has not been reported in the literature in individuals affected with COL4A6-related conditions. This variant results in a copy number gain of the genomic region encompassing exon(s) 4-45 of the COL4A6 gene. This region includes the termination codon of the gene. This copy number gain extends beyond the assayed region for this gene and therefore may encompass additional genes. As the precise location of this event is unknown, it may be in tandem or it may be located elsewhere in the genome.

NC_000023.10:g.(?_106456106)_(107464624_?)dup

Genes: ATG4A (autophagy related 4A cysteine peptidase; plus strand), COL4A6 (collagen type IV alpha 6 chain; minus strand), DNAAF6 (dynein axonemal assembly factor 6; plus strand), FRMPD3 (FERM and PDZ domain containing 3; plus strand), MID2 (midline 2; plus strand) and 5 more. Cytogenetic location: Xq22.3.
Variant type: Duplication.
Identifiers: ClinVar variation 3246496 (VCV003246496.1).